The following is an entry in ClinVar:

NM_004973.4(JARID2):c.1410_1423del (p.Lys472fs)

Gene: JARID2 (jumonji and AT-rich interaction domain containing 2; plus strand). Cytogenetic location: 6p22.3.
Variant type: Deletion.
Coding change: c.1410_1423del on transcript NM_004973.4 (MANE Select); coding-DNA positions 1410 to 1423, 14 bases deleted (TGGCAAGAAGGCCC).
Protein change: p.Lys472fs; shifts the reading frame from lysine 472.
Molecular consequence: frameshift variant.
Genome position (GRCh38, 1-based): chr6:15,496,635-15,496,648, TGGCAAGAAGGCCC deleted; deleting any 14 consecutive bases within chr6:15,496,627-15,496,648 gives the same sequence; the c. name uses the placement nearest the transcript's 3' end. VCF-style (leftmost placement, unchanged base first): chr6-15496626-CGAAGGCCCTGGCAA-C. GRCh37 (hg19) VCF-style: chr6-15496857-CGAAGGCCCTGGCAA-C.
Other names: c.894_907del, p.Lys300fs (NM_001267040.1); short protein forms K300fs, K472fs.
Identifiers: ClinVar variation 1879647 (VCV001879647.29), dbSNP rs2533083357, ClinGen allele CA2580074223.

ClinVar aggregate classification (germline): Likely pathogenic (1 of 4 stars; one submission).

Submission:

CeGaT Center for Human Genetics Tuebingen
Classification: Likely pathogenic. Last evaluated: 2022-10-01. Review status: criteria provided, single submitter. Criteria: CeGaT Center For Human Genetics Tuebingen Variant Classification Criteria Version 2. Collection method: clinical testing. Allele origin: germline. Affected: yes. Observed: 1 variant allele.
Comment: JARID2: PVS1, PM2, BP4